The following is an entry in ClinVar:

NM_015450.3(POT1):c.1262C>G (p.Ser421Ter)

Gene: POT1 (protection of telomeres 1; minus strand). Cytogenetic location: 7q31.33.
Variant type: single nucleotide variant.
Coding change: c.1262C>G on transcript NM_015450.3 (MANE Select); coding-DNA position 1262, C replaced by G.
Protein change: p.Ser421Ter; replaces serine 421 with a stop codon.
Molecular consequence: nonsense. On other transcripts: non-coding transcript variant (3).
Genome position (GRCh38, 1-based): chr7:124,841,080, G>C on the plus strand (C>G on the coding strand, the complement: POT1 is on the minus strand). VCF-style: chr7-124841080-G-C. GRCh37 (hg19) VCF-style: chr7-124481134-G-C.
Other names: c.869C>G, p.Ser290Ter (NM_001042594.2); short protein forms S290*, S421*.
Identifiers: ClinVar variation 2499793 (VCV002499793.1), dbSNP rs1413163992, ClinGen allele CA369067315.
Genomic context (GRCh38, chr7:124,841,080, plus strand): 5'-TTTTTCACAAAATGAACTGCTACTTTTCGTCCTTTTTGATTTTTAGTGGTCCAGATTTTT[G>C]AATCATATAATGATGTATTTTGTAGCTTGACATCTGGGGTTTTAGTTGCACCATCCTGAA-3'

ClinVar aggregate classification (germline): Likely pathogenic (1 of 4 stars; one submission).

Submission:

GeneDx
Classification: Likely pathogenic. Last evaluated: 2022-10-24. Review status: criteria provided, single submitter. Criteria: GeneDx Variant Classification Process June 2021. Collection method: clinical testing. Allele origin: germline. Affected: yes.
Comment: Nonsense variant predicted to result in protein truncation or nonsense mediated decay in a gene for which loss of function is a known mechanism of disease; Not observed at significant frequency in large population cohorts (gnomAD); Has not been previously published as pathogenic or benign to our knowledge